The following is an entry in ClinVar:

NM_002691.4(POLD1):c.2234A>G (p.Tyr745Cys)

Gene: POLD1 (DNA polymerase delta 1, catalytic subunit; plus strand). Cytogenetic location: 19q13.33.
Variant type: single nucleotide variant.
Coding change: c.2234A>G on transcript NM_002691.4 (MANE Select); coding-DNA position 2234, A replaced by G.
Protein change: p.Tyr745Cys; replaces tyrosine 745 with cysteine.
Molecular consequence: missense variant. On other transcripts: non-coding transcript variant (1).
Genome position (GRCh38, 1-based): chr19:50,413,505, A>G. VCF-style: chr19-50413505-A-G. GRCh37 (hg19) VCF-style: chr19-50916762-A-G.
Other names: c.2234A>G, p.Tyr745Cys (NM_001256849.1); c.2312A>G, p.Tyr771Cys (NM_001308632.1); short protein forms Y745C, Y771C.
Identifiers: ClinVar variation 939192 (VCV000939192.9), dbSNP rs2039161284, ClinGen allele CA406983781.

ClinVar aggregate classification (germline): Uncertain significance (1 of 4 stars; one submission).

Conditions:
POLD1-related polyposis and colorectal cancer syndrome (CRCS10). Also called: Colorectal cancer 10; COLORECTAL CANCER, SUSCEPTIBILITY TO, ON CHROMOSOME 19q; Colorectal cancer, susceptibility to, 10. Identifiers: Orphanet 220460, MedGen C2675481, MONDO:0012953, OMIM 612591.

Allele frequency attached by ClinVar (database versions not stated): gnomAD exomes below 0.00001.
gnomAD v4.1: 3 of 1,610,592 alleles (0.00019%); highest among the groups gnomAD compares: Non-Finnish European, 0.00017%; no homozygotes.

Submission:

Labcorp Genetics (formerly Invitae), Labcorp
Classification: Uncertain significance for POLD1-related polyposis and colorectal cancer syndrome. Last evaluated: 2019-09-29. Review status: criteria provided, single submitter. Criteria: Invitae Variant Classification Sherloc (09022015). Collection method: clinical testing. Allele origin: germline.
Comment: In summary, the available evidence is currently insufficient to determine the role of this variant in disease. Therefore, it has been classified as a Variant of Uncertain Significance. Algorithms developed to predict the effect of missense changes on protein structure and function are either unavailable or do not agree on the potential impact of this missense change (SIFT: "Tolerated"; PolyPhen-2: "Probably Damaging"; Align-GVGD: "Class C0"). This variant has not been reported in the literature in individuals with POLD1-related conditions. This variant is not present in population databases (ExAC no frequency). This sequence change replaces tyrosine with cysteine at codon 745 of the POLD1 protein (p.Tyr745Cys). The tyrosine residue is highly conserved and there is a large physicochemical difference between tyrosine and cysteine.